The following is an entry in ClinVar:

NM_021614.4(KCNN2):c.1231G>T (p.Asp411Tyr)

Gene: KCNN2 (potassium calcium-activated channel subfamily N member 2; plus strand). Cytogenetic location: 5q22.3.
Variant type: single nucleotide variant.
Coding change: c.1231G>T on transcript NM_021614.4 (MANE Select); coding-DNA position 1231, G replaced by T.
Protein change: p.Asp411Tyr; replaces aspartic acid 411 with tyrosine.
Molecular consequence: missense variant.
Genome position (GRCh38, 1-based): chr5:114,404,450, G>T. VCF-style: chr5-114404450-G-T. GRCh37 (hg19) VCF-style: chr5-113740147-G-T.
Other names: c.1429G>T, p.Asp477Tyr (NM_001372233.1); short protein forms D411Y, D477Y.
Identifiers: ClinVar variation 4291904 (VCV004291904.1).

ClinVar aggregate classification (germline): Uncertain significance (1 of 4 stars; one submission).

Conditions:
Neurodevelopmental disorder with or without variable movement or behavioral abnormalities (NEDMAB). Identifiers: MedGen C5676908, MONDO:0859225, OMIM 619725.

Submission:

3billion
Classification: Uncertain significance for Neurodevelopmental disorder with or without variable movement or behavioral abnormalities. Last evaluated: 2024-12-05. Review status: criteria provided, single submitter. Criteria: ACMG Guidelines, 2015. Collection method: clinical testing. Allele origin: germline. Affected: yes.
Comment: The variant is not observed in the gnomAD v4.1.0 dataset. Predicted Consequence/Location: Missense variant In silico tool predictions suggest damaging effect of the variant on gene or gene product [REVEL: 0.93 (>=0.6, sensitivity 0.68 and specificity 0.92); 3Cnet: 0.99 (>=0.6, sensitivity 0.72 and precision 0.9)]. Therefore, this variant is classified as VUS according to the recommendation of ACMG/AMP guideline.